The following is an entry in ClinVar:

NM_014055.4(IFT81):c.259C>T (p.Arg87Cys)

Gene: IFT81 (intraflagellar transport 81; plus strand). Cytogenetic location: 12q24.11.
Variant type: single nucleotide variant.
Coding change: c.259C>T on transcript NM_014055.4 (MANE Select); coding-DNA position 259, C replaced by T.
Protein change: p.Arg87Cys; replaces arginine 87 with cysteine.
Molecular consequence: missense variant. On other transcripts: 5 prime UTR variant (2), non-coding transcript variant (4).
Genome position (GRCh38, 1-based): chr12:110,128,960, C>T. VCF-style: chr12-110128960-C-T. GRCh37 (hg19) VCF-style: chr12-110566765-C-T.
Other names: c.259C>T, p.Arg87Cys (NM_001143779.2, NM_001347946.2, NM_031473.4); c.-508C>T (NM_001347947.2, NM_001347948.2); short protein forms R87C.
Identifiers: ClinVar variation 599486 (VCV000599486.2), dbSNP rs761469100, ClinGen allele CA6783048.

ClinVar aggregate classification (germline): Likely pathogenic. Review status: criteria provided, single submitter (1 of 4 stars). 2 submissions from 2 submitters: Likely pathogenic (1). 1 of the submissions does not count toward it. Last evaluated 2025-06-20.

Conditions:
Short-rib thoracic dysplasia 19 with or without polydactyly. Identifiers: MedGen C4693524, MONDO:0033485, OMIM 617895.
Short stature. Identifiers: MedGen C0349588, HP:0004322.

Allele frequency attached by ClinVar (database versions not stated): gnomAD exomes 0.00001; ExAC 0.00003.

Submissions (2):

First Genomix Gene Laboratory, Genetic Diagnostics Department
Classification: Likely pathogenic for Short-rib thoracic dysplasia 19 with or without polydactyly. Last evaluated: 2025-06-20. Review status: criteria provided, single submitter. Criteria: ACMG Guidelines, 2015. Collection method: clinical testing. Allele origin: germline. Inheritance: Autosomal recessive inheritance. Affected: no. Observed: 1 variant allele.

Institute of Human Genetics, FAU Erlangen, Friedrich-Alexander-Universität Erlangen-Nürnberg
Classification: Likely pathogenic for Short stature. Last evaluated: 2001-11-18. Review status: no assertion criteria provided. Collection method: case-control. Allele origin: de novo. Affected: yes. Not counted in ClinVar's aggregate classification.